The following is an entry in ClinVar:

ClinVar aggregate classification (germline): Uncertain significance (1 of 4 stars; one submission).

Conditions:
Primary open angle glaucoma (POAG). Also called: OPTN-related open angle glaucoma. Identifiers: MedGen C0339573, MONDO:0100553, OMIM 137760.
Glaucoma 1, open angle, E. Identifiers: MedGen C1842026, MONDO:0007665.
Amyotrophic lateral sclerosis type 12 (ALS12). Also called: AMYOTROPHIC LATERAL SCLEROSIS 12 WITH OR WITHOUT FRONTOTEMPORAL DEMENTIA. Identifiers: Orphanet 803, MedGen C3150692, MONDO:0013264, OMIM 613435.

Submission:

Labcorp Genetics (formerly Invitae), Labcorp
Classification: Uncertain significance for Primary open angle glaucoma; Glaucoma 1, open angle, E; Amyotrophic lateral sclerosis type 12. Last evaluated: 2024-05-31. Review status: criteria provided, single submitter. Criteria: Invitae Variant Classification Sherloc (09022015). Collection method: clinical testing. Allele origin: germline.
Comment: This sequence change replaces aspartic acid, which is acidic and polar, with valine, which is neutral and non-polar, at codon 33 of the OPTN protein (p.Asp33Val). This variant is present in population databases (rs758762753, gnomAD 0.01%). This variant has not been reported in the literature in individuals affected with OPTN-related conditions. Advanced modeling of protein sequence and biophysical properties (such as structural, functional, and spatial information, amino acid conservation, physicochemical variation, residue mobility, and thermodynamic stability) performed at Invitae indicates that this missense variant is not expected to disrupt OPTN protein function with a negative predictive value of 80%. In summary, the available evidence is currently insufficient to determine the role of this variant in disease. Therefore, it has been classified as a Variant of Uncertain Significance.

NM_001008212.2(OPTN):c.98A>T (p.Asp33Val)

Genes: OPTN (optineurin; plus strand), LOC108903148 (10p13 OPTN distal Alu-mediated recombination region; plus strand). Cytogenetic location: 10p13.
Variant type: single nucleotide variant.
Coding change: c.98A>T on transcript NM_001008212.2 (MANE Select); coding-DNA position 98, A replaced by T.
Protein change: p.Asp33Val; replaces aspartic acid 33 with valine.
Molecular consequence: missense variant.
Genome position (GRCh38, 1-based): chr10:13,109,220, A>T. VCF-style: chr10-13109220-A-T. GRCh37 (hg19) VCF-style: chr10-13151220-A-T.
Other names: c.98A>T, p.Asp33Val (NM_001008211.1, NM_001008213.1, NM_021980.4); short protein forms D33V.
Identifiers: ClinVar variation 3763322 (VCV003763322.2).
Genomic context (GRCh38, chr10:13,109,220, plus strand): 5'-AGGACAGCCCCAGTGAAAGCACAGGAAATGGACCCCCCCACCTGGCCCACCCAAACCTGG[A>T]CACGTTTACCCCGGAGGAGCTGCTGCAGCAGATGAAAGAGCTCCTGACCGAGAACCACCA-3'
Protein context (NP_001008213.1, residues 23-43): GPPHLAHPNL[Asp33Val]TFTPEELLQQ